The following is an entry in ClinVar:

ClinVar aggregate classification (germline): Uncertain significance. Review status: criteria provided, multiple submitters, no conflicts (2 of 4 stars). 2 submissions from 2 submitters: Uncertain significance (2). Last evaluated 2025-02-10.

Conditions:
DICER1-related tumor predisposition. Also called: DICER1-related pleuropulmonary blastoma cancer predisposition syndrome; DICER1 syndrome. Identifiers: Orphanet 284343, MedGen C3839822, MONDO:0100216.
Hereditary cancer-predisposing syndrome. Also called: Neoplastic Syndromes, Hereditary; Hereditary neoplastic syndrome; Tumor predisposition; Hereditary Cancer Syndrome. Identifiers: Orphanet 140162, MedGen C0027672, MeSH D009386, MONDO:0015356.

Allele frequency attached by ClinVar (database versions not stated): gnomAD exomes below 0.00001.
gnomAD v4.1: 1 of 1,614,080 alleles (0.000062%); highest among the groups gnomAD compares: Non-Finnish European, 0.000085%; no homozygotes.

Submissions (2):

Labcorp Genetics (formerly Invitae), Labcorp
Classification: Uncertain significance for DICER1-related tumor predisposition. Last evaluated: 2025-02-10. Review status: criteria provided, single submitter. Criteria: Invitae Variant Classification Sherloc (09022015). Collection method: clinical testing. Allele origin: germline.
Comment: This sequence change replaces valine, which is neutral and non-polar, with alanine, which is neutral and non-polar, at codon 625 of the DICER1 protein (p.Val625Ala). This variant is not present in population databases (gnomAD no frequency). This variant has not been reported in the literature in individuals affected with DICER1-related conditions. ClinVar contains an entry for this variant (Variation ID: 835002). Invitae Evidence Modeling of protein sequence and biophysical properties (such as structural, functional, and spatial information, amino acid conservation, physicochemical variation, residue mobility, and thermodynamic stability) indicates that this missense variant is not expected to disrupt DICER1 protein function with a negative predictive value of 95%. In summary, the available evidence is currently insufficient to determine the role of this variant in disease. Therefore, it has been classified as a Variant of Uncertain Significance.

Ambry Genetics
Classification: Uncertain significance for Hereditary cancer-predisposing syndrome. Last evaluated: 2024-05-16. Review status: criteria provided, single submitter. Criteria: Ambry Variant Classification Scheme 2023. Collection method: clinical testing. Allele origin: germline.
Comment: The p.V625A variant (also known as c.1874T>C), located in coding exon 10 of the DICER1 gene, results from a T to C substitution at nucleotide position 1874. The valine at codon 625 is replaced by alanine, an amino acid with similar properties. This amino acid position is highly conserved in available vertebrate species. In addition, the in silico prediction for this alteration is inconclusive. Based on the available evidence, the clinical significance of this variant remains unclear.

NM_177438.3(DICER1):c.1874T>C (p.Val625Ala)

Gene: DICER1 (dicer 1, ribonuclease III; minus strand). Cytogenetic location: 14q32.13.
Variant type: single nucleotide variant.
Coding change: c.1874T>C on transcript NM_177438.3 (MANE Select); coding-DNA position 1874, T replaced by C.
Protein change: p.Val625Ala; replaces valine 625 with alanine.
Molecular consequence: missense variant.
Genome position (GRCh38, 1-based): chr14:95,115,700, A>G on the plus strand (T>C on the coding strand, the complement: DICER1 is on the minus strand). VCF-style: chr14-95115700-A-G. GRCh37 (hg19) VCF-style: chr14-95582037-A-G.
Other names: c.1874T>C, p.Val625Ala (NM_001195573.1, NM_001271282.3, NM_001291628.2 and 1 more transcripts); short protein forms V625A.
Identifiers: ClinVar variation 835002 (VCV000835002.14), dbSNP rs1892378136, ClinGen allele CA390883945.
Genomic context (GRCh38, chr14:95,115,700, plus strand): 5'-TTCCACACAAATGATATGATGCCATACCTATTGATGTGTCCAATGGCCGTGTTGATTGTG[A>G]CTCGTGGACCACCATCGTCAGGCCTCAACACATATGGTGGGAAAACGTCATCATCATCCA-3'
Protein context (NP_803187.1, residues 615-635): VLRPDDGGPR[Val625Ala]TINTAIGHIN